The following is an entry in ClinVar:

NM_001110556.2(FLNA):c.991A>G (p.Lys331Glu)

Gene: FLNA (filamin A; minus strand). Cytogenetic location: Xq28.
Variant type: single nucleotide variant.
Coding change: c.991A>G on transcript NM_001110556.2 (MANE Select); coding-DNA position 991, A replaced by G.
Protein change: p.Lys331Glu; replaces lysine 331 with glutamic acid.
Molecular consequence: missense variant.
Genome position (GRCh38, 1-based): chrX:154,366,636, T>C on the plus strand (A>G on the coding strand, the complement: FLNA is on the minus strand). VCF-style: chrX-154366636-T-C. GRCh37 (hg19) VCF-style: chrX-153595004-T-C.
Other names: p.Lys331Glu; c.991A>G (NM_001456.3); c.991A>G, p.Lys331Glu (NM_001456.4); short protein forms K331E.
Identifiers: ClinVar variation 2079151 (VCV002079151.5), dbSNP rs2522761927, ClinGen allele CA415247369.

ClinVar aggregate classification (germline): Uncertain significance. Review status: criteria provided, multiple submitters, no conflicts (2 of 4 stars). 2 submissions from 2 submitters: Uncertain significance (2). Last evaluated 2025-10-06.

Conditions:
Oto-palato-digital syndrome, type II (OPD2). Also called: FACIOPALATOOSSEOUS SYNDROME; OPD II SYNDROME; Otopalatodigital Syndrome, Type II; Otopalatodigital Syndrome Type 2 (FLNA-OPD2). Identifiers: Orphanet 669, Orphanet 90652, MedGen C1844696, MONDO:0010571, OMIM 304120.
Frontometaphyseal dysplasia (FMD1). Identifiers: Orphanet 1826, MedGen C0265293, MONDO:0015942.
Melnick-Needles syndrome (MNS). Also called: MELNICK-NEEDLES OSTEODYSPLASTY; OSTEODYSPLASTY OF MELNICK AND NEEDLES; Melnick-Needles Syndrome (FLNA-MNS). Identifiers: Orphanet 2484, MedGen C0025237, MONDO:0010650, OMIM 309350.
Heterotopia, periventricular, X-linked dominant (PVNH1). Also called: PERIVENTRICULAR NODULAR HETEROTOPIA 1; PERIVENTRICULAR NODULAR HETEROTOPIA 4; HETEROTOPIA, PERIVENTRICULAR, 1; X-linked periventricular heterotopia. Identifiers: Orphanet 2149, Orphanet 82004, MedGen C1848213, MONDO:0010233, OMIM 300049.

Submissions (2):

Mayo Clinic Laboratories, Mayo Clinic
Classification: Uncertain significance. Last evaluated: 2025-10-06. Review status: criteria provided, single submitter. Criteria: ACMG Guidelines, 2015. Collection method: clinical testing. Allele origin: germline. Observed: 2 variant alleles.
Comment: PP3, PM2_supporting

Labcorp Genetics (formerly Invitae), Labcorp
Classification: Uncertain significance for Oto-palato-digital syndrome, type II; Heterotopia, periventricular, X-linked dominant; Frontometaphyseal dysplasia; Melnick-Needles syndrome. Last evaluated: 2024-07-01. Review status: criteria provided, single submitter. Criteria: Invitae Variant Classification Sherloc (09022015). Collection method: clinical testing. Allele origin: germline.
Comment: This sequence change replaces lysine, which is basic and polar, with glutamic acid, which is acidic and polar, at codon 331 of the FLNA protein (p.Lys331Glu). This variant is not present in population databases (gnomAD no frequency). This variant has not been reported in the literature in individuals affected with FLNA-related conditions. ClinVar contains an entry for this variant (Variation ID: 2079151). Advanced modeling of protein sequence and biophysical properties (such as structural, functional, and spatial information, amino acid conservation, physicochemical variation, residue mobility, and thermodynamic stability) performed at Invitae indicates that this missense variant is not expected to disrupt FLNA protein function with a negative predictive value of 95%. Algorithms developed to predict the effect of sequence changes on RNA splicing suggest that this variant may create or strengthen a splice site. In summary, the available evidence is currently insufficient to determine the role of this variant in disease. Therefore, it has been classified as a Variant of Uncertain Significance.